The following is an entry in ClinVar:

NM_004947.5(DOCK3):c.417G>A (p.Val139=)

Gene: DOCK3 (dedicator of cytokinesis 3; plus strand). Cytogenetic location: 3p21.2.
Variant type: single nucleotide variant.
Coding change: c.417G>A on transcript NM_004947.5 (MANE Select); coding-DNA position 417, G replaced by A.
Protein change: p.Val139=; no amino-acid change (valine 139 retained).
Molecular consequence: synonymous variant.
Genome position (GRCh38, 1-based): chr3:51,064,549, G>A. VCF-style: chr3-51064549-G-A. GRCh37 (hg19) VCF-style: chr3-51101980-G-A.
Identifiers: ClinVar variation 4882196 (VCV004882196.2).

ClinVar aggregate classification (germline): Uncertain significance (1 of 4 stars; one submission).

gnomAD v4.1: 11 of 1,613,894 alleles (0.00068%); highest among the groups gnomAD compares: African/African-American, 0.013%; no homozygotes.

Submission:

Dasa
Classification: Uncertain significance. Last evaluated: 2024-12-16. Review status: criteria provided, single submitter. Criteria: DASA Assertion Criteria. Collection method: clinical testing. Allele origin: germline.
Comment: NM_004947.5(DOCK3):c.417G>A (p.Val139=) is a synonymous variant predicted not to alter the encoded amino acid sequence. This variant is rare in population databases. Computational prediction algorithms are consistent with a deleterious effect. The currently available literature and clinical evidence are not sufficient to establish a definitive association between this variant and the reported condition. Therefore, this variant is classified as a variant of uncertain significance.